The following is an entry in ClinVar:

NM_198253.3(TERT):c.1649G>A (p.Ser550Asn)

Gene: TERT (telomerase reverse transcriptase; minus strand). Cytogenetic location: 5p15.33.
Variant type: single nucleotide variant.
Coding change: c.1649G>A on transcript NM_198253.3 (MANE Select); coding-DNA position 1649, G replaced by A.
Protein change: p.Ser550Asn; replaces serine 550 with asparagine.
Molecular consequence: missense variant. On other transcripts: non-coding transcript variant (2).
Genome position (GRCh38, 1-based): chr5:1,282,549, C>T on the plus strand (G>A on the coding strand, the complement: TERT is on the minus strand). VCF-style: chr5-1282549-C-T. GRCh37 (hg19) VCF-style: chr5-1282664-C-T.
Other names: c.1649G>A, p.Ser550Asn (NM_001193376.3, NM_003219.1); short protein forms S550N.
Identifiers: ClinVar variation 2936559 (VCV002936559.4), dbSNP rs2478305968, ClinGen allele CA359083232.

ClinVar aggregate classification (germline): Uncertain significance. Review status: criteria provided, multiple submitters, no conflicts (2 of 4 stars). 2 submissions from 2 submitters: Uncertain significance (2). Last evaluated 2024-06-25.

Conditions:
Dyskeratosis congenita, autosomal dominant 2. Identifiers: MedGen C3151443, MONDO:0013521, OMIM 613989.
Idiopathic Pulmonary Fibrosis. Also called: Idiopathic fibrosing alveolitis, chronic form; idiopathic fibrosing alveolitis. Identifiers: Orphanet 2032, MedGen C1800706, MeSH D054990, MONDO:0800504.
Dyskeratosis congenita. Identifiers: Orphanet 1775, MedGen C0265965, MONDO:0015780.

Allele frequency attached by ClinVar (database versions not stated): gnomAD exomes below 0.00001.
gnomAD v4.1: 1 of 1,614,156 alleles (0.000062%); highest among the groups gnomAD compares: South Asian, 0.0011%; no homozygotes.

Submissions (2):

Ambry Genetics
Classification: Uncertain significance for Dyskeratosis congenita. Last evaluated: 2024-06-25. Review status: criteria provided, single submitter. Criteria: Ambry Variant Classification Scheme 2023. Collection method: clinical testing. Allele origin: germline.
Comment: The p.S550N variant (also known as c.1649G>A), located in coding exon 3 of the TERT gene, results from a G to A substitution at nucleotide position 1649. The serine at codon 550 is replaced by asparagine, an amino acid with highly similar properties. This amino acid position is conserved. In addition, this alteration is predicted to be tolerated by in silico analysis. Based on the available evidence, the clinical significance of this variant remains unclear.

Labcorp Genetics (formerly Invitae), Labcorp
Classification: Uncertain significance for Dyskeratosis congenita, autosomal dominant 2; Idiopathic Pulmonary Fibrosis. Last evaluated: 2022-11-13. Review status: criteria provided, single submitter. Criteria: Invitae Variant Classification Sherloc (09022015). Collection method: clinical testing. Allele origin: germline.
Comment: This variant has not been reported in the literature in individuals affected with TERT-related conditions. In summary, the available evidence is currently insufficient to determine the role of this variant in disease. Therefore, it has been classified as a Variant of Uncertain Significance. Advanced modeling of protein sequence and biophysical properties (such as structural, functional, and spatial information, amino acid conservation, physicochemical variation, residue mobility, and thermodynamic stability) performed at Invitae indicates that this missense variant is not expected to disrupt TERT protein function. This variant is not present in population databases (gnomAD no frequency). This sequence change replaces serine, which is neutral and polar, with asparagine, which is neutral and polar, at codon 550 of the TERT protein (p.Ser550Asn).